The following is an entry in ClinVar:

NM_001048174.2(MUTYH):c.607-12C>T

Gene: MUTYH (mutY DNA glycosylase; minus strand). Cytogenetic location: 1p34.1.
Variant type: single nucleotide variant.
Coding change: c.607-12C>T on transcript NM_001048174.2 (MANE Select); 12 bases into the intron before coding-DNA position 607, C replaced by T.
Molecular consequence: intron variant.
Genome position (GRCh38, 1-based): chr1:45,332,500, G>A on the plus strand (C>T on the coding strand, the complement: MUTYH is on the minus strand). VCF-style: chr1-45332500-G-A. GRCh37 (hg19) VCF-style: chr1-45798172-G-A.
Other names: c.262-12C>T (NM_001350651.2, NM_001350650.2); c.331-12C>T (NM_001293192.2, NM_001293196.2); c.607-12C>T (NM_001048171.2, NM_001048173.2, NM_001293195.2); c.652-12C>T (NM_001293190.2); c.682-12C>T (NM_012222.3); c.691-12C>T (NM_001128425.2); c.610-12C>T (NM_001048172.2); c.640-12C>T (NM_001293191.2).
Identifiers: ClinVar variation 512589 (VCV000512589.10), dbSNP rs567135624, ClinGen allele CA058671.

ClinVar aggregate classification (germline): Likely benign. Review status: criteria provided, multiple submitters, no conflicts (2 of 4 stars). 4 submissions from 4 submitters: Likely benign (4). Last evaluated 2025-11-15.

Conditions:
Hereditary cancer-predisposing syndrome. Also called: Tumor predisposition; Hereditary neoplastic syndrome; Neoplastic Syndromes, Hereditary; Hereditary Cancer Syndrome. Identifiers: Orphanet 140162, MedGen C0027672, MeSH D009386, MONDO:0015356.
Familial adenomatous polyposis 2. Also called: MUTYH Polyposis; COLORECTAL ADENOMATOUS POLYPOSIS, AUTOSOMAL RECESSIVE; ADENOMAS, MULTIPLE COLORECTAL, AUTOSOMAL RECESSIVE; MUTYH-associated polyposis; MUTYH-related attenuated familial adenomatous polyposis; Adenomas, multiple colorectal. Identifiers: Orphanet 220460, Orphanet 247798, MedGen C3272841, MONDO:0012041, OMIM 608456.

Allele frequency attached by ClinVar (database versions not stated): gnomAD exomes below 0.00001; TOPMed below 0.00001; ExAC 0.00001; gnomAD 0.00001; 1000 Genomes Project 30x 0.00016; 1000 Genomes Project 0.00020.
gnomAD v4.1: 2 of 1,614,098 alleles (0.00012%); highest among the groups gnomAD compares: African/African-American, 0.0013%; no homozygotes.

Submissions (4):

Labcorp Genetics (formerly Invitae), Labcorp
Classification: Likely benign for Familial adenomatous polyposis 2. Last evaluated: 2025-11-15. Review status: criteria provided, single submitter. Criteria: Invitae Variant Classification Sherloc (09022015). Collection method: clinical testing. Allele origin: germline.

All of Us Research Program, National Institutes of Health
Classification: Likely benign for Familial adenomatous polyposis 2. Last evaluated: 2023-10-27. Review status: criteria provided, single submitter. Criteria: ACMG Guidelines, 2015. Collection method: clinical testing. Allele origin: germline. Inheritance: Autosomal recessive inheritance. Observed: 1 variant allele, 1 heterozygote.
Comment: This study involves interpretation of variants in research participants for the purpose of population health screening. Participant phenotype was not available at the time of variant classification. Additional details can be found in publication PMID: 35346344, PMCID: PMC8962531

Color Diagnostics, LLC DBA Color Health
Classification: Likely benign for Hereditary cancer-predisposing syndrome. Last evaluated: 2023-10-19. Review status: criteria provided, single submitter. Criteria: ACMG Guidelines, 2015. Collection method: clinical testing. Allele origin: germline.

GeneDx
Classification: Likely benign. Last evaluated: 2017-10-13. Review status: criteria provided, single submitter. Criteria: GeneDx Variant Classification (06012015). Collection method: clinical testing. Allele origin: germline. Affected: yes.
Comment: This variant is considered likely benign or benign based on one or more of the following criteria: it is a conservative change, it occurs at a poorly conserved position in the protein, it is predicted to be benign by multiple in silico algorithms, and/or has population frequency not consistent with disease.